The following is an entry in ClinVar:

NM_152415.3(VPS37A):c.812A>G (p.Asp271Gly)

Gene: VPS37A (VPS37A subunit of ESCRT-I; plus strand). Cytogenetic location: 8p22.
Variant type: single nucleotide variant.
Coding change: c.812A>G on transcript NM_152415.3 (MANE Select); coding-DNA position 812, A replaced by G.
Protein change: p.Asp271Gly; replaces aspartic acid 271 with glycine.
Molecular consequence: missense variant.
Genome position (GRCh38, 1-based): chr8:17,280,126, A>G. VCF-style: chr8-17280126-A-G. GRCh37 (hg19) VCF-style: chr8-17137635-A-G.
Other names: c.737A>G, p.Asp246Gly (NM_001145152.2); c.812A>G, p.Asp271Gly (NM_001363167.1, NM_001363173.2); c.542A>G, p.Asp181Gly (NM_001363168.1, NM_001363169.1, NM_001363170.1 and 2 more transcripts); short protein forms D246G, D181G, D271G.
Identifiers: ClinVar variation 1044520 (VCV001044520.9), dbSNP rs768941323, ClinGen allele CA4643501.

ClinVar aggregate classification (germline): Uncertain significance. Review status: criteria provided, multiple submitters, no conflicts (2 of 4 stars). 3 submissions from 3 submitters: Uncertain significance (3). Last evaluated 2024-12-07.

Conditions:
Hereditary spastic paraplegia 53. Also called: Spastic paraplegia 53, autosomal recessive. Identifiers: Orphanet 319199, MedGen C3539494, MONDO:0013962, OMIM 614898.
Hereditary spastic paraplegia. Also called: Familial spastic paraparesis. Identifiers: Orphanet 685, MedGen C0037773, MONDO:0019064. Disease mechanism: loss of function.

Allele frequency attached by ClinVar (database versions not stated): gnomAD exomes 0.00001 and 0.00005; ExAC 0.00002; gnomAD 0.00002 and 0.00003; TOPMed 0.00002.
gnomAD v4.1: 79 of 1,612,636 alleles (0.0049%); highest among the groups gnomAD compares: Non-Finnish European, 0.0061%; no homozygotes.

Submissions (3):

Ambry Genetics
Classification: Uncertain significance. Last evaluated: 2024-12-07. Review status: criteria provided, single submitter. Criteria: Ambry Variant Classification Scheme 2023. Collection method: clinical testing. Allele origin: germline.

Labcorp Genetics (formerly Invitae), Labcorp
Classification: Uncertain significance for Hereditary spastic paraplegia 53. Last evaluated: 2020-01-21. Review status: criteria provided, single submitter. Criteria: Invitae Variant Classification Sherloc (09022015). Collection method: clinical testing. Allele origin: germline.
Comment: In summary, the available evidence is currently insufficient to determine the role of this variant in disease. Therefore, it has been classified as a Variant of Uncertain Significance. Algorithms developed to predict the effect of missense changes on protein structure and function are either unavailable or do not agree on the potential impact of this missense change (SIFT: "Tolerated"; PolyPhen-2: "Possibly Damaging"; Align-GVGD: "Class C0"). This variant has not been reported in the literature in individuals with VPS37A-related conditions. This variant is present in population databases (rs768941323, ExAC 0.01%). This sequence change replaces aspartic acid with glycine at codon 271 of the VPS37A protein (p.Asp271Gly). The aspartic acid residue is moderately conserved and there is a moderate physicochemical difference between aspartic acid and glycine.

Genome Diagnostics Laboratory, The Hospital for Sick Children
Classification: Uncertain significance for Hereditary spastic paraplegia. Last evaluated: 2019-12-01. Review status: criteria provided, single submitter. Criteria: ACMG Guidelines, 2015. Collection method: clinical testing. Allele origin: germline. Affected: yes.